The following is an entry in ClinVar:

ClinVar aggregate classification (germline): Likely pathogenic (1 of 4 stars; one submission).

Conditions:
Senior-Loken syndrome 8 (SLSN8). Identifiers: Orphanet 3156, MedGen C4225376, MONDO:0014579, OMIM 616307.

Submissions (2):

MGZ Medical Genetics Center
Classification: Likely pathogenic for Senior-Loken syndrome 8. Last evaluated: 2022-02-14. Review status: criteria provided, single submitter. Criteria: ACMG Guidelines, 2015. Collection method: clinical testing. Allele origin: germline. Affected: yes. Observed: 1 variant allele.
Comment: ACMG criteria applied: PVS1, PM2_SUP

Dr. Peter K. Rogan Lab, Western University
No classification provided (evidence only). Condition: Familial cancer of breast. Review status: no classification provided. Collection method: in vitro. Allele origin: not applicable. Functional consequence: skipped exon. Not counted in ClinVar's aggregate classification.

NM_025132.4(WDR19):c.2363+3_2363+6del

Gene: WDR19 (WD repeat domain 19; plus strand). Cytogenetic location: 4p14.
Variant type: Deletion.
Coding change: c.2363+3_2363+6del on transcript NM_025132.4 (MANE Select); bases 3 to 6 of the intron after coding-DNA position 2363, 4 bases deleted (AAGT; older notation c.2363+3_2363+6delAAGT).
Molecular consequence: splice donor variant.
Genome position (GRCh38, 1-based): chr4:39,234,878-39,234,881, AAGT deleted; deleting any 4 consecutive bases within chr4:39,234,876-39,234,881 gives the same sequence; the c. name uses the placement nearest the transcript's 3' end. VCF-style (leftmost placement, unchanged base first): chr4-39234875-CGTAA-C. GRCh37 (hg19) VCF-style: chr4-39236495-CGTAA-C.
Other names: NC_000004.11:g.39236498_39236501del; c.1883+3_1883+6del (NM_001317924.2); c.2363+1_2363+4del (NM_025132.4).
Identifiers: ClinVar variation 1708991 (VCV001708991.3), dbSNP rs776416706, ClinGen allele CA2892059.